The following is an entry in ClinVar:

ClinVar aggregate classification (germline): Uncertain significance (1 of 4 stars; one submission).

Conditions:
Polycystic kidney disease, adult type (PKD1). Also called: Polycystic Kidney Disease 1, Autosomal Dominant; POLYCYSTIC KIDNEY DISEASE, ADULT, TYPE I; Polycystic kidney disease 1; Polycystic kidney disease 1, severe; POLYCYSTIC KIDNEY DISEASE 1 WITH OR WITHOUT POLYCYSTIC LIVER DISEASE; Polycystic Kidney, Autosomal Dominant. Identifiers: MedGen C3149841, MONDO:0008263, OMIM 173900.

Submission:

MVZ Medizinische Genetik Mainz
Classification: Uncertain significance for Polycystic kidney disease, adult type. Last evaluated: 2026-04-27. Review status: criteria provided, single submitter. Criteria: UK Practice Guidelines For Variant Classification V4 01 2020. Collection method: clinical testing. Allele origin: germline. Inheritance: Autosomal dominant inheritance. Affected: yes. Observed: 1 variant allele.
Comment: ACMG Criteria: PM4,PM2_SUP,PP3,PP4

NM_001009944.3(PKD1):c.922_930del (p.Gly308_Gly310del)

Gene: PKD1 (polycystin 1, transient receptor potential channel interacting; minus strand). Cytogenetic location: 16p13.3.
Variant type: Deletion.
Coding change: c.922_930del on transcript NM_001009944.3 (MANE Select); coding-DNA positions 922 to 930, 9 bases deleted (GGAGACGGC; older notation c.922_930delGGAGACGGC).
Protein change: p.Gly308_Gly310del.
Molecular consequence: inframe deletion.
Genome position (GRCh38, 1-based): chr16:2,118,062-2,118,070, GCCGTCTCC deleted on the plus strand (GGAGACGGC on the coding strand, the reverse complement: PKD1 is on the minus strand); deleting any 9 consecutive bases within chr16:2,118,062-2,118,071 gives the same sequence; the c. name uses the placement nearest the transcript's 3' end. VCF-style (leftmost placement, unchanged base first): chr16-2118061-AGCCGTCTCC-A. GRCh37 (hg19) VCF-style: chr16-2168062-AGCCGTCTCC-A.
Other names: c.922_930del, p.Gly308_Gly310del (NM_000296.4).
Identifiers: ClinVar variation 5038108 (VCV005038108.1).
Genomic context (GRCh38, chr16:2,118,061, plus strand): 5'-AGCGCCCAGGCAGCACATAGCGATGCGAGGCAGCCGGCCCAGCGGCATCCACCTCGGCGG[AGCCGTCTCC>A]GAAGTCCCAGCGTGTGGCAGTGACAGGGAGCGGGGCAGCGATGTGGAAGGCTGCTAGCTG-3'